The following is an entry in ClinVar:

NM_001365999.1(SZT2):c.8897A>G (p.Lys2966Arg)

Gene: SZT2 (SZT2 subunit of KICSTOR complex; plus strand). Cytogenetic location: 1p34.2.
Variant type: single nucleotide variant.
Coding change: c.8897A>G on transcript NM_001365999.1 (MANE Select); coding-DNA position 8897, A replaced by G.
Protein change: p.Lys2966Arg; replaces lysine 2966 with arginine.
Molecular consequence: missense variant.
Genome position (GRCh38, 1-based): chr1:43,445,965, A>G. VCF-style: chr1-43445965-A-G. GRCh37 (hg19) VCF-style: chr1-43911636-A-G.
Other names: c.8726A>G, p.Lys2909Arg (NM_015284.4); c.338A>G, p.Lys113Arg (NM_024547.1); short protein forms K113R, K2909R, K2966R.
Identifiers: ClinVar variation 1714710 (VCV001714710.5), dbSNP rs1321700327, ClinGen allele CA340041324.

ClinVar aggregate classification (germline): Uncertain significance (1 of 4 stars; one submission).

Allele frequency attached by ClinVar (database versions not stated): gnomAD exomes below 0.00001; TOPMed below 0.00001.
gnomAD v4.1: 5 of 1,614,142 alleles (0.00031%); highest among the groups gnomAD compares: Non-Finnish European, 0.00042%; no homozygotes.

Submission:

Labcorp Genetics (formerly Invitae), Labcorp
Classification: Uncertain significance. Last evaluated: 2023-12-04. Review status: criteria provided, single submitter. Criteria: Invitae Variant Classification Sherloc (09022015). Collection method: clinical testing. Allele origin: germline.
Comment: This sequence change replaces lysine, which is basic and polar, with arginine, which is basic and polar, at codon 2909 of the SZT2 protein (p.Lys2909Arg). This variant is present in population databases (no rsID available, gnomAD 0.0009%). This variant has not been reported in the literature in individuals affected with SZT2-related conditions. ClinVar contains an entry for this variant (Variation ID: 1714710). Advanced modeling of protein sequence and biophysical properties (such as structural, functional, and spatial information, amino acid conservation, physicochemical variation, residue mobility, and thermodynamic stability) has been performed at Invitae for this missense variant, however the output from this modeling did not meet the statistical confidence thresholds required to predict the impact of this variant on SZT2 protein function. In summary, the available evidence is currently insufficient to determine the role of this variant in disease. Therefore, it has been classified as a Variant of Uncertain Significance.